The following is an entry in ClinVar:

NM_004357.5(CD151):c.204C>T (p.Gly68=)

Gene: CD151 (CD151 molecule (Raph blood group); plus strand). Cytogenetic location: 11p15.5.
Variant type: single nucleotide variant.
Coding change: c.204C>T on transcript NM_004357.5 (MANE Select); coding-DNA position 204, C replaced by T.
Protein change: p.Gly68=; no amino-acid change (glycine 68 retained).
Molecular consequence: synonymous variant.
Genome position (GRCh38, 1-based): chr11:836,370, C>T. VCF-style: chr11-836370-C-T. GRCh37 (hg19) VCF-style: chr11-836370-C-T.
Other names: c.204C>T, p.Gly68= (NM_001039490.2, NM_139029.2, NM_139030.4).
Identifiers: ClinVar variation 2962153 (VCV002962153.3), dbSNP rs752707203, ClinGen allele CA5792091.

ClinVar aggregate classification (germline): Uncertain significance (1 of 4 stars; one submission).

Allele frequency attached by ClinVar (database versions not stated): ExAC 0.00002.

Submission:

Labcorp Genetics (formerly Invitae), Labcorp
Classification: Uncertain significance. Last evaluated: 2023-02-14. Review status: criteria provided, single submitter. Criteria: Invitae Variant Classification Sherloc (09022015). Collection method: clinical testing. Allele origin: germline.
Comment: Algorithms developed to predict the effect of sequence changes on RNA splicing suggest that this variant may create or strengthen a splice site. In summary, the available evidence is currently insufficient to determine the role of this variant in disease. Therefore, it has been classified as a Variant of Uncertain Significance. This variant has not been reported in the literature in individuals affected with CD151-related conditions. This variant is present in population databases (rs752707203, gnomAD 0.003%). This sequence change affects codon 68 of the CD151 mRNA. It is a 'silent' change, meaning that it does not change the encoded amino acid sequence of the CD151 protein.